The following is an entry in ClinVar:

ClinVar aggregate classification (germline): Uncertain significance (1 of 4 stars; one submission).

Allele frequency attached by ClinVar (database versions not stated): gnomAD exomes 0.00001; gnomAD 0.00003.
gnomAD v4.1: 5 of 1,613,276 alleles (0.00031%); highest among the groups gnomAD compares: Non-Finnish European, 0.00025%; no homozygotes.

Submission:

Laboratory for Molecular Medicine, Mass General Brigham Personalized Medicine
Classification: Uncertain significance. Last evaluated: 2014-03-12. Review status: criteria provided, single submitter. Criteria: LMM Criteria. Collection method: clinical testing. Allele origin: germline. Observed: 1 variant allele.
Comment: The Pro23453Arg variant in TTN has not been previously reported in individuals w ith cardiomyopathy or in large population studies. Proline (Pro) at position 234 53 is not conserved in evolution and 1 mammal (rat) and several bird species car ry an arginine (Arg) at this position, raising the possibility that this change is tolerated. In summary, additional information is needed to fully assess the c linical significance of the Pro23453Arg variant.

NM_001267550.2(TTN):c.78062C>G (p.Pro26021Arg)

Genes: TTN (titin; minus strand), TTN-AS1 (TTN antisense RNA 1; plus strand). Cytogenetic location: 2q31.2.
Variant type: single nucleotide variant.
Coding change: c.78062C>G on transcript NM_001267550.2 (MANE Select); coding-DNA position 78062, C replaced by G.
Protein change: p.Pro26021Arg; replaces proline 26021 with arginine.
Molecular consequence: missense variant.
Genome position (GRCh38, 1-based): chr2:178,568,070, G>C on the plus strand (C>G on the coding strand, the complement: TTN is on the minus strand). VCF-style: chr2-178568070-G-C. GRCh37 (hg19) VCF-style: chr2-179432797-G-C.
Other names: c.70358C>G, p.Pro23453Arg (NM_133378.4); c.73139C>G, p.Pro24380Arg (NM_001256850.1); c.50867C>G, p.Pro16956Arg (NM_003319.4); c.51242C>G, p.Pro17081Arg (NM_133432.3); c.51443C>G, p.Pro17148Arg (NM_133437.4); short protein forms P23453R, P26021R, P17148R, P24380R, P16956R, P17081R.
Identifiers: ClinVar variation 179602 (VCV000179602.5), dbSNP rs727504982, ClinGen allele CA184761.
Genomic context (GRCh38, chr2:178,568,070, plus strand): 5'-TTGACCTTTGTCCACAAAATACTGTTTCTTTCTTTTCTCTCCAGGTGGTAACCTATGACG[G>C]GGCTTCCACCATTGTTGACTGGTTCATGCCACTGTATGACCATGGAGTCTTTGGAAATGG-3'
Protein context (NP_001254479.2, residues 26011-26031): WHEPVNNGGS[Pro26021Arg]VIGYHLERKE